The following is an entry in ClinVar:

ClinVar aggregate classification (germline): Uncertain significance (1 of 4 stars; one submission).

Conditions:
Frasier syndrome. Identifiers: Orphanet 347, MedGen C0950122, MeSH D052159, MONDO:0007635, OMIM 136680.
Drash syndrome (DDS). Also called: NEPHROPATHY, WILMS TUMOR, AND GENITAL ANOMALIES; WILMS TUMOR AND PSEUDO- OR TRUE HERMAPHRODITISM. Identifiers: Orphanet 220, MedGen C0950121, MONDO:0008682, OMIM 194080.
Wilms tumor 1 (WT1). Also called: Wilms tumor, somatic. Identifiers: Orphanet 654, MedGen CN033288, MONDO:0008679, OMIM 194070.
11p partial monosomy syndrome (WAGR). Also called: CHROMOSOME 11p13 DELETION SYNDROME; WAGR syndrome; WAGR Complex; WAGR Spectrum Disorder. Identifiers: Orphanet 893, MedGen C0206115, MONDO:0008681, OMIM 194072.

Submission:

Labcorp Genetics (formerly Invitae), Labcorp
Classification: Uncertain significance for Wilms tumor 1; Drash syndrome; 11p partial monosomy syndrome; Frasier syndrome. Last evaluated: 2024-04-10. Review status: criteria provided, single submitter. Criteria: Invitae Variant Classification Sherloc (09022015). Collection method: clinical testing. Allele origin: germline.
Comment: This sequence change replaces phenylalanine, which is neutral and non-polar, with tyrosine, which is neutral and polar, at codon 108 of the WT1 protein (p.Phe108Tyr). This variant is not present in population databases (gnomAD no frequency). This variant has not been reported in the literature in individuals affected with WT1-related conditions. An algorithm developed to predict the effect of missense changes on protein structure and function (PolyPhen-2) suggests that this variant is likely to be disruptive. In summary, the available evidence is currently insufficient to determine the role of this variant in disease. Therefore, it has been classified as a Variant of Uncertain Significance.

NM_024426.6(WT1):c.338T>A (p.Phe113Tyr)

Genes: WT1 (WT1 transcription factor; minus strand), LOC107982234 (WT1/WT1-AS bi-directional promoter region; plus strand). Cytogenetic location: 11p13.
Variant type: single nucleotide variant.
Coding change: c.338T>A on transcript NM_024426.6 (MANE Select); coding-DNA position 338, T replaced by A.
Protein change: p.Phe113Tyr; replaces phenylalanine 113 with tyrosine.
Molecular consequence: missense variant. On other transcripts: non-coding transcript variant (2).
Genome position (GRCh38, 1-based): chr11:32,435,023, A>T on the plus strand (T>A on the coding strand, the complement: WT1 is on the minus strand). VCF-style: chr11-32435023-A-T. GRCh37 (hg19) VCF-style: chr11-32456569-A-T.
Other names: c.338T>A, p.Phe113Tyr (NM_000378.6, NM_001407044.1, NM_001407045.1 and 6 more transcripts); c.323T>A, p.Phe108Tyr (NM_024425.2); short protein forms F113Y, F108Y.
Identifiers: ClinVar variation 2942720 (VCV002942720.3), dbSNP rs2494482847, ClinGen allele CA379965896.